The following is an entry in ClinVar:

ClinVar aggregate classification (germline): Pathogenic (1 of 4 stars; one submission).

Conditions:
Cerebral cavernous malformation (CCM). Also called: Cerebral cavernous hemangioma (type); CAVERNOUS ANGIOMA, FAMILIAL; CAVERNOUS ANGIOMATOUS MALFORMATIONS; CEREBRAL CAPILLARY MALFORMATIONS; Cavernous Hemangioma of Brain; Cerebral cavernous malformations. Identifiers: Orphanet 221061, MedGen C2919945, MONDO:0000820, OMIM 116860, HP:0033522.

Submission:

Labcorp Genetics (formerly Invitae), Labcorp
Classification: Pathogenic for Cerebral cavernous malformation. Last evaluated: 2024-10-30. Review status: criteria provided, single submitter. Criteria: Invitae Variant Classification Sherloc (09022015). Collection method: clinical testing. Allele origin: germline.
Comment: This sequence change creates a premature translational stop signal (p.Gln388*) in the KRIT1 gene. It is expected to result in an absent or disrupted protein product. Loss-of-function variants in KRIT1 are known to be pathogenic (PMID: 10508515, 11222804, 12404106, 24689081). This variant is not present in population databases (gnomAD no frequency). This premature translational stop signal has been observed in individual(s) with clinical features of cerebral cavernous malformations (PMID: 23595507). ClinVar contains an entry for this variant (Variation ID: 1073009). For these reasons, this variant has been classified as Pathogenic.

Literature cited by the submitters: PubMed 10508515; PubMed 11222804; PubMed 12404106; PubMed 24689081; PubMed 23595507.

NM_194454.3(KRIT1):c.1162C>T (p.Gln388Ter)

Gene: KRIT1 (KRIT1 ankyrin repeat containing; minus strand). Cytogenetic location: 7q21.2.
Variant type: single nucleotide variant.
Coding change: c.1162C>T on transcript NM_194454.3 (MANE Select); coding-DNA position 1162, C replaced by T.
Protein change: p.Gln388Ter; replaces glutamine 388 with a stop codon.
Molecular consequence: nonsense.
Genome position (GRCh38, 1-based): chr7:92,225,812, G>A on the plus strand (C>T on the coding strand, the complement: KRIT1 is on the minus strand). VCF-style: chr7-92225812-G-A. GRCh37 (hg19) VCF-style: chr7-91855126-G-A.
Other names: c.1018C>T, p.Gln340Ter (NM_001013406.2, NM_001350669.1, NM_001350670.1); c.448C>T, p.Gln150Ter (NM_001350671.1); c.1162C>T, p.Gln388Ter (NM_001350672.1, NM_001350673.1, NM_001350674.1 and 26 more transcripts); short protein forms Q150*, Q340*, Q388*.
Identifiers: ClinVar variation 1073009 (VCV001073009.9), dbSNP rs1796087833, ClinGen allele CA368151191.